The following is an entry in ClinVar:

ClinVar aggregate classification (germline): Pathogenic (1 of 4 stars; one submission).

Conditions:
Episodic ataxia type 2 (EA2). Also called: ACETAZOLAMIDE-RESPONSIVE HEREDITARY PAROXYSMAL CEREBELLAR ATAXIA; CEREBELLAR ATAXIA, PAROXYSMAL, ACETAZOLAMIDE-RESPONSIVE; CEREBELLOPATHY, HEREDITARY PAROXYSMAL; EPISODIC ATAXIA, NYSTAGMUS-ASSOCIATED; ATAXIA, EPISODIC, WITH NYSTAGMUS; ATAXIA, FAMILIAL PAROXYSMAL. Identifiers: Orphanet 97, MedGen C1720416, MONDO:0007163, OMIM 108500.
Developmental and epileptic encephalopathy, 42 (DEE42A). Also called: DEVELOPMENTAL AND EPILEPTIC ENCEPHALOPATHY 42A; EPILEPTIC ENCEPHALOPATHY, EARLY INFANTILE, 42A; Epileptic encephalopathy, early infantile, 42. Identifiers: MedGen C4310716, MONDO:0014917, OMIM 617106.

Submission:

Labcorp Genetics (formerly Invitae), Labcorp
Classification: Pathogenic for Developmental and epileptic encephalopathy, 42; Episodic ataxia type 2. Last evaluated: 2018-04-26. Review status: criteria provided, single submitter. Criteria: Invitae Variant Classification Sherloc (09022015). Collection method: clinical testing. Allele origin: germline.
Comment: This variant has not been reported in the literature in individuals with CACNA1A-related disease. Loss-of-function variants in CACNA1A are known to be pathogenic (PMID: 10371528, 19486177, 25735478, 27250579). For these reasons, this variant has been classified as Pathogenic. This sequence change creates a premature translational stop signal (p.Trp491*) in the CACNA1A gene. It is expected to result in an absent or disrupted protein product. This variant is not present in population databases (ExAC no frequency).

Literature cited by the submitters: PubMed 10371528; PubMed 19486177; PubMed 25735478; PubMed 27250579.

NM_001127222.2(CACNA1A):c.1469G>A (p.Trp490Ter)

Gene: CACNA1A (calcium voltage-gated channel subunit alpha1 A; minus strand). Cytogenetic location: 19p13.13.
Variant type: single nucleotide variant.
Coding change: c.1469G>A on transcript NM_001127222.2 (MANE Select); coding-DNA position 1469, G replaced by A.
Protein change: p.Trp490Ter; replaces tryptophan 490 with a stop codon.
Molecular consequence: nonsense.
Genome position (GRCh38, 1-based): chr19:13,317,198, C>T on the plus strand (G>A on the coding strand, the complement: CACNA1A is on the minus strand). VCF-style: chr19-13317198-C-T. GRCh37 (hg19) VCF-style: chr19-13428012-C-T.
Other names: c.1472G>A, p.Trp491Ter (NM_000068.4, NM_001127221.2, NM_001174080.2 and 1 more transcripts); short protein forms W491*, W490*.
Identifiers: ClinVar variation 573195 (VCV000573195.7), dbSNP rs1568528144, ClinGen allele CA404345739.
Genomic context (GRCh38, chr19:13,317,198, plus strand): 5'-TGGTTGTAGTGAACAATAGCAACACACAGCGTGTTGAGAGCTACCAAACTGAGTACAGTC[C>T]AGTAGAAGGCCTGAGTTTTGACCATGCGGCGGATGTAGAAACGCATCCTCCTCTCCTTTT-3'